The following is an entry in ClinVar:

ClinVar aggregate classification (germline): Uncertain significance (0 of 4 stars; one submission).

Conditions:
LMAN2L-related disorder. Also called: LMAN2L-related condition.

gnomAD v4.1: 2 of 1,613,778 alleles (0.00012%); highest among the groups gnomAD compares: Non-Finnish European, 0.00017%; no homozygotes.

Submission:

PreventionGenetics, part of Exact Sciences
Classification: Uncertain significance for LMAN2L-related condition. Last evaluated: 2023-12-21. Review status: no assertion criteria provided. Collection method: clinical testing. Allele origin: germline.
Comment: The LMAN2L c.62G>A variant is predicted to result in the amino acid substitution p.Arg21Gln. To our knowledge, this variant has not been reported in the literature or in a large population database, indicating this variant is rare. At this time, the clinical significance of this variant is uncertain due to the absence of conclusive functional and genetic evidence.

NM_030805.4(LMAN2L):c.62G>A (p.Arg21Gln)

Gene: LMAN2L (lectin, mannose binding 2 like; minus strand). Cytogenetic location: 2q11.2.
Variant type: single nucleotide variant.
Coding change: c.62G>A on transcript NM_030805.4 (MANE Select); coding-DNA position 62, G replaced by A.
Protein change: p.Arg21Gln; replaces arginine 21 with glutamine.
Molecular consequence: missense variant. On other transcripts: 5 prime UTR variant (8).
Genome position (GRCh38, 1-based): chr2:96,739,979, C>T on the plus strand (G>A on the coding strand, the complement: LMAN2L is on the minus strand). VCF-style: chr2-96739979-C-T. GRCh37 (hg19) VCF-style: chr2-97405716-C-T.
Other names: c.62G>A, p.Arg21Gln (NM_001142292.2); c.-291G>A (NM_001322346.2, NM_001322356.2); c.-234G>A (NM_001322347.2, NM_001322350.2); c.-172G>A (NM_001322351.2); c.-434G>A (NM_001322352.2); c.-305G>A (NM_001322354.2); c.-372G>A (NM_001322355.2); short protein forms R21Q.
Identifiers: ClinVar variation 3046270 (VCV003046270.2), dbSNP rs2469423528, ClinGen allele CA347707059.